The following is an entry in ClinVar:

ClinVar aggregate classification (germline): Uncertain significance (1 of 4 stars; one submission).

Submission:

CeGaT Center for Human Genetics Tuebingen
Classification: Uncertain significance. Last evaluated: 2026-09-01. Review status: criteria provided, single submitter. Criteria: CeGaT Center For Human Genetics Tuebingen Variant Classification Criteria Version 2. Collection method: clinical testing. Allele origin: germline. Affected: yes. Observed: 1 variant allele.
Comment: PSMC3: PM2, PM5:Supporting, PP2, PP3

NM_002804.5(PSMC3):c.523A>T (p.Met175Leu)

Gene: PSMC3 (proteasome 26S subunit, ATPase 3; minus strand). Cytogenetic location: 11p11.2.
Variant type: single nucleotide variant.
Coding change: c.523A>T on transcript NM_002804.5 (MANE Select); coding-DNA position 523, A replaced by T.
Protein change: p.Met175Leu; replaces methionine 175 with leucine.
Molecular consequence: missense variant.
Genome position (GRCh38, 1-based): chr11:47,424,114, T>A on the plus strand (A>T on the coding strand, the complement: PSMC3 is on the minus strand). VCF-style: chr11-47424114-T-A. GRCh37 (hg19) VCF-style: chr11-47445665-T-A.
Other names: short protein forms M175L.
Identifiers: ClinVar variation 5041587 (VCV005041587.1).
Genomic context (GRCh38, chr11:47,424,114, plus strand): 5'-TCTGCTTGTCCAAACCCCCAATGTCACTGTATTGCTCCGTGGGCCTCTCGTCTACCTCCA[T>A]GGCCTTCACCCGCGAGTCATACTCTGTGGGCAGCGTCTCCAGGATCAGATAGGAGTCTTT-3'
Protein context (NP_002795.2, residues 165-185): PTEYDSRVKA[Met175Leu]EVDERPTEQY